The following is an entry in ClinVar:

ClinVar aggregate classification (germline): Conflicting classifications of pathogenicity. Review status: criteria provided, conflicting classifications (1 of 4 stars). 5 submissions from 5 submitters: Uncertain significance (1); Benign (1); Likely benign (2). 1 of the submissions does not count toward it. Last evaluated 2026-05-01.

Conditions:
RIMS1-related disorder. Also called: RIMS1-related condition.

Allele frequency attached by ClinVar (database versions not stated): gnomAD 0.00006 and 0.00007; gnomAD exomes 0.00010 and 0.00062; 1000 Genomes Project 0.00020; TOPMed 0.00022; 1000 Genomes Project 30x 0.00062; ExAC 0.00108.
gnomAD v4.1: 144 of 1,592,874 alleles (0.009%); highest among the groups gnomAD compares: Admixed American, 0.25%; 1 homozygote.

Submissions (5):

CeGaT Center for Human Genetics Tuebingen
Classification: Likely benign. Last evaluated: 2026-05-01. Review status: criteria provided, single submitter. Criteria: CeGaT Center For Human Genetics Tuebingen Variant Classification Criteria Version 2. Collection method: clinical testing. Allele origin: germline. Affected: yes. Observed: 2 variant alleles.
Comment: RIMS1: BP4, BP7, BS1

Labcorp Genetics (formerly Invitae), Labcorp
Classification: Benign. Last evaluated: 2026-01-25. Review status: criteria provided, single submitter. Criteria: Invitae Variant Classification Sherloc (09022015). Collection method: clinical testing. Allele origin: germline.

Blueprint Genetics
Classification: Likely benign. Last evaluated: 2024-02-19. Review status: criteria provided, single submitter. Criteria: ACMG Guidelines, 2015. Collection method: clinical testing. Allele origin: germline.

Eurofins Ntd Llc (ga)
Classification: Uncertain significance. Last evaluated: 2014-08-22. Review status: criteria provided, single submitter. Criteria: EGL Classification Definitions 2015. Collection method: clinical testing. Allele origin: germline. Observed: 1 variant allele, 1 heterozygote.

PreventionGenetics, part of Exact Sciences
Classification: Likely benign for RIMS1-related condition. Last evaluated: 2020-02-19. Review status: no assertion criteria provided. Collection method: clinical testing. Allele origin: germline. Not counted in ClinVar's aggregate classification.
Comment: This variant is classified as likely benign based on ACMG/AMP sequence variant interpretation guidelines (Richards et al. 2015 PMID: 25741868, with internal and published modifications).

NM_014989.7(RIMS1):c.1533G>A (p.Pro511=)

Gene: RIMS1 (regulating synaptic membrane exocytosis 1; plus strand). Cytogenetic location: 6q13.
Variant type: single nucleotide variant.
Coding change: c.1533G>A on transcript NM_014989.7 (MANE Select); coding-DNA position 1533, G replaced by A.
Protein change: p.Pro511=; no amino-acid change (proline 511 retained).
Molecular consequence: synonymous variant.
Genome position (GRCh38, 1-based): chr6:72,183,004, G>A. VCF-style: chr6-72183004-G-A. GRCh37 (hg19) VCF-style: chr6-72892707-G-A.
Identifiers: ClinVar variation 198214 (VCV000198214.23), dbSNP rs201473375, ClinGen allele CA246750.
Genomic context (GRCh38, chr6:72,183,004, plus strand): 5'-GGTGGAGACCATGCTGCGGAACGACTCTTTGAGCTCAGACCAGTCCGAGTCGGTGCGGCC[G>A]TCCCCGCCCAAGCCGCACCGGTCCAAGAGAGGCGGCAAGAAGCGGCAGATGTCGGTGAGC-3'
Protein context (NP_055804.2, residues 501-521): LSSDQSESVR[Pro511=]SPPKPHRSKR